The following is an entry in ClinVar:

ClinVar aggregate classification (germline): Uncertain significance. Review status: criteria provided, multiple submitters, no conflicts (2 of 4 stars). 2 submissions from 2 submitters: Uncertain significance (2). Last evaluated 2026-04-20.

Conditions:
Dilated cardiomyopathy 1G (CMD1G). Identifiers: Orphanet 154, MedGen C1858763, MONDO:0011400, OMIM 604145.
Autosomal recessive limb-girdle muscular dystrophy type 2J (LGMDR10). Also called: Limb-girdle muscular dystrophy, type 2J; MUSCULAR DYSTROPHY, LIMB-GIRDLE, AUTOSOMAL RECESSIVE 10. Identifiers: Orphanet 140922, MedGen C1837342, MONDO:0012127, OMIM 608807.

Allele frequency attached by ClinVar (database versions not stated): gnomAD exomes 0.00001 and 0.00002; TOPMed 0.00001; ExAC 0.00001.
gnomAD v4.1: 6 of 1,610,174 alleles (0.00037%); highest among the groups gnomAD compares: Admixed American, 0.01%; no homozygotes.

Submissions (2):

GeneDx
Classification: Uncertain significance. Last evaluated: 2026-04-20. Review status: criteria provided, single submitter. Criteria: GeneDx Variant Classification Process June 2021. Collection method: clinical testing. Allele origin: germline.
Comment: Not observed at significant frequency in large population cohorts (gnomAD); Missense variant in a gene in which most reported pathogenic variants are truncating/loss of function; Has not been previously published as pathogenic or benign to our knowledge

Labcorp Genetics (formerly Invitae), Labcorp
Classification: Uncertain significance for Dilated cardiomyopathy 1G; Autosomal recessive limb-girdle muscular dystrophy type 2J. Last evaluated: 2017-02-08. Review status: criteria provided, single submitter. Criteria: Invitae Variant Classification Sherloc (09022015). Collection method: clinical testing. Allele origin: germline.

NM_001267550.2(TTN):c.83519T>C (p.Val27840Ala)

Genes: TTN (titin; minus strand), TTN-AS1 (TTN antisense RNA 1; plus strand). Cytogenetic location: 2q31.2.
Variant type: single nucleotide variant.
Coding change: c.83519T>C on transcript NM_001267550.2 (MANE Select); coding-DNA position 83519, T replaced by C.
Protein change: p.Val27840Ala; replaces valine 27840 with alanine.
Molecular consequence: missense variant.
Genome position (GRCh38, 1-based): chr2:178,562,613, A>G on the plus strand (T>C on the coding strand, the complement: TTN is on the minus strand). VCF-style: chr2-178562613-A-G. GRCh37 (hg19) VCF-style: chr2-179427340-A-G.
Other names: c.83519T>C (NM_001267550.1); c.78596T>C, p.Val26199Ala (NM_001256850.1); c.56324T>C, p.Val18775Ala (NM_003319.4); c.75815T>C, p.Val25272Ala (NM_133378.4); c.56699T>C, p.Val18900Ala (NM_133432.3); c.56900T>C, p.Val18967Ala (NM_133437.4); short protein forms V27840A, V18775A, V25272A, V26199A, V18900A, V18967A.
Identifiers: ClinVar variation 467553 (VCV000467553.4), dbSNP rs752446232, ClinGen allele CA1988909.